The following is an entry in ClinVar:

ClinVar aggregate classification (germline): Pathogenic (1 of 4 stars; one submission).

Conditions:
Legius syndrome. Identifiers: Orphanet 137605, MedGen C1969623, MONDO:0012669, OMIM 611431. Disease mechanism: loss of function.

Submission:

Labcorp Genetics (formerly Invitae), Labcorp
Classification: Pathogenic for Legius syndrome. Last evaluated: 2023-05-23. Review status: criteria provided, single submitter. Criteria: Invitae Variant Classification Sherloc (09022015). Collection method: clinical testing. Allele origin: germline.
Comment: For these reasons, this variant has been classified as Pathogenic. ClinVar contains an entry for this variant (Variation ID: 578285). This variant has not been reported in the literature in individuals affected with SPRED1-related conditions. This variant is not present in population databases (gnomAD no frequency). This sequence change creates a premature translational stop signal (p.Leu101Phefs*18) in the SPRED1 gene. It is expected to result in an absent or disrupted protein product. Loss-of-function variants in SPRED1 are known to be pathogenic (PMID: 17704776).

Literature cited by the submitters: PubMed 17704776.

NM_152594.3(SPRED1):c.301_307del (p.Leu101fs)

Gene: SPRED1 (sprouty related EVH1 domain containing 1; plus strand). Cytogenetic location: 15q14.
Variant type: Deletion.
Coding change: c.301_307del on transcript NM_152594.3 (MANE Select); coding-DNA positions 301 to 307, 7 bases deleted (CTTACGT; older notation c.301_307delCTTACGT).
Protein change: p.Leu101fs; shifts the reading frame from leucine 101.
Molecular consequence: frameshift variant.
Genome position (GRCh38, 1-based): chr15:38,322,334-38,322,340, CTTACGT deleted; deleting any 7 consecutive bases within chr15:38,322,332-38,322,340 gives the same sequence; the c. name uses the placement nearest the transcript's 3' end. VCF-style (leftmost placement, unchanged base first): chr15-38322331-GGTCTTAC-G. GRCh37 (hg19) VCF-style: chr15-38614532-GGTCTTAC-G.
Other names: short protein forms L101fs.
Identifiers: ClinVar variation 578285 (VCV000578285.8), dbSNP rs1566867246, ClinGen allele CA891844567.